The following is an entry in ClinVar:

ClinVar aggregate classification (germline): Uncertain significance (1 of 4 stars; one submission).

Conditions:
Multiple acyl-CoA dehydrogenase deficiency (MADD). Also called: Glutaric acidemia type II; GA 2; Glutaric Acidemia type 2; ETHYLMALONIC-ADIPICACIDURIA; GA II; Glutaric aciduria, type 2. Identifiers: Orphanet 26791, MedGen C0268596, MONDO:0009282, OMIM 231680.

Submission:

Labcorp Genetics (formerly Invitae), Labcorp
Classification: Uncertain significance for Multiple acyl-CoA dehydrogenase deficiency. Last evaluated: 2022-06-13. Review status: criteria provided, single submitter. Criteria: Invitae Variant Classification Sherloc (09022015). Collection method: clinical testing. Allele origin: germline.
Comment: In summary, the available evidence is currently insufficient to determine the role of this variant in disease. Therefore, it has been classified as a Variant of Uncertain Significance. Algorithms developed to predict the effect of missense changes on protein structure and function (SIFT, PolyPhen-2, Align-GVGD) all suggest that this variant is likely to be tolerated. This variant has not been reported in the literature in individuals affected with ETFA-related conditions. This variant is not present in population databases (gnomAD no frequency). This sequence change replaces aspartic acid, which is acidic and polar, with alanine, which is neutral and non-polar, at codon 174 of the ETFA protein (p.Asp174Ala).

NM_000126.4(ETFA):c.521A>C (p.Asp174Ala)

Gene: ETFA (electron transfer flavoprotein subunit alpha; minus strand). Cytogenetic location: 15q24.2.
Variant type: single nucleotide variant.
Coding change: c.521A>C on transcript NM_000126.4 (MANE Select); coding-DNA position 521, A replaced by C.
Protein change: p.Asp174Ala; replaces aspartic acid 174 with alanine.
Molecular consequence: missense variant.
Genome position (GRCh38, 1-based): chr15:76,286,412, T>G on the plus strand (A>C on the coding strand, the complement: ETFA is on the minus strand). VCF-style: chr15-76286412-T-G. GRCh37 (hg19) VCF-style: chr15-76578753-T-G.
Other names: c.374A>C, p.Asp125Ala (NM_001127716.2); short protein forms D125A, D174A.
Identifiers: ClinVar variation 1432433 (VCV001432433.8), dbSNP rs1396125343, ClinGen allele CA393513464.